The following is an entry in ClinVar:

NM_005529.7(HSPG2):c.9109C>T (p.Gln3037Ter)

Gene: HSPG2 (heparan sulfate proteoglycan 2; minus strand). Cytogenetic location: 1p36.12.
Variant type: single nucleotide variant.
Coding change: c.9109C>T on transcript NM_005529.7 (MANE Select); coding-DNA position 9109, C replaced by T.
Protein change: p.Gln3037Ter; replaces glutamine 3037 with a stop codon.
Molecular consequence: nonsense.
Genome position (GRCh38, 1-based): chr1:21,842,086, G>A on the plus strand (C>T on the coding strand, the complement: HSPG2 is on the minus strand). VCF-style: chr1-21842086-G-A. GRCh37 (hg19) VCF-style: chr1-22168579-G-A.
Other names: c.9112C>T, p.Gln3038Ter (NM_001291860.2); short protein forms Q3037*, Q3038*.
Identifiers: ClinVar variation 1679334 (VCV001679334.8), dbSNP rs898553156, ClinGen allele CA19108038.
Genomic context (GRCh38, chr1:21,842,086, plus strand): 5'-TCCACTCGAGGCTGATGGGGGCTGCCCCGTCATGGATGAGGCACTTGAAGCTGGCATCCT[G>A]GCCCTGCTGCACGGTGCTGCTGGGCGGGTCGATGGAGATGACCGGGCTCCTAAGGCCTGG-3'

ClinVar aggregate classification (germline): Pathogenic/Likely pathogenic. Review status: criteria provided, multiple submitters, no conflicts (2 of 4 stars). 2 submissions from 2 submitters: Pathogenic (1); Likely pathogenic (1). Last evaluated 2022-07-13.

Conditions:
Abnormal facial shape. Also called: Dysmorphic facies; Dysmorphic facial features. Identifiers: MedGen C0424503, HP:0001999.

Allele frequency attached by ClinVar (database versions not stated): gnomAD exomes 0.00001.
gnomAD v4.1: 1 of 1,613,650 alleles (0.000062%); no homozygotes.

Submissions (2):

Labcorp Genetics (formerly Invitae), Labcorp
Classification: Pathogenic. Last evaluated: 2022-07-13. Review status: criteria provided, single submitter. Criteria: Invitae Variant Classification Sherloc (09022015). Collection method: clinical testing. Allele origin: germline.
Comment: This sequence change creates a premature translational stop signal (p.Gln3037*) in the HSPG2 gene. It is expected to result in an absent or disrupted protein product. Loss-of-function variants in HSPG2 are known to be pathogenic (PMID: 11279527, 16927315, 20542149, 23836246). This variant is present in population databases (no rsID available, gnomAD 0.006%). This variant has not been reported in the literature in individuals affected with HSPG2-related conditions. ClinVar contains an entry for this variant (Variation ID: 1679334). For these reasons, this variant has been classified as Pathogenic.

Department of Clinical Genetics, Copenhagen University Hospital, Rigshospitalet
Classification: Likely pathogenic for Abnormal facial shape. Last evaluated: 2021-08-01. Review status: criteria provided, single submitter. Criteria: ACMG Guidelines, 2015. Collection method: clinical testing. Allele origin: unknown. Affected: yes.

Literature cited by the submitters: PubMed 11279527 (cited by Labcorp Genetics (formerly Invitae), Labcorp); PubMed 16927315 (cited by Labcorp Genetics (formerly Invitae), Labcorp); PubMed 20542149 (cited by Labcorp Genetics (formerly Invitae), Labcorp); PubMed 23836246 (cited by Labcorp Genetics (formerly Invitae), Labcorp).